The following is an entry in ClinVar:

NM_000179.3(MSH6):c.2985G>T (p.Glu995Asp)

Gene: MSH6 (mutS homolog 6; plus strand). Cytogenetic location: 2p16.3.
Variant type: single nucleotide variant.
Coding change: c.2985G>T on transcript NM_000179.3 (MANE Select); coding-DNA position 2985, G replaced by T.
Protein change: p.Glu995Asp; replaces glutamic acid 995 with aspartic acid.
Molecular consequence: missense variant. On other transcripts: non-coding transcript variant (5), intron variant (2).
Genome position (GRCh38, 1-based): chr2:47,800,968, G>T. VCF-style: chr2-47800968-G-T. GRCh37 (hg19) VCF-style: chr2-48028107-G-T.
Other names: c.2595G>T, p.Glu865Asp (NM_001281492.2); c.2079G>T, p.Glu693Asp (NM_001281493.2, NM_001281494.2, NM_001406811.1 and 6 more transcripts); c.3081G>T, p.Glu1027Asp (NM_001406795.1, NM_001406802.1); c.2985G>T, p.Glu995Asp (NM_001406796.1, NM_001406798.1, NM_001406800.1 and 2 more transcripts); c.2688G>T, p.Glu896Asp (NM_001406797.1, NM_001406801.1, NM_001406805.1 and 10 more transcripts); c.2460G>T, p.Glu820Asp (NM_001406799.1, NM_001406806.1, NM_001406807.1); c.2907G>T, p.Glu969Asp (NM_001406804.1); c.2991G>T, p.Glu997Asp (NM_001406813.1); and 4 more; short protein forms E820D, E969D, E997D, E1027D, E310D, E939D, E693D, E995D.
Identifiers: ClinVar variation 2773657 (VCV002773657.2), dbSNP rs754296496, ClinGen allele CA346756367.
Genomic context (GRCh38, chr2:47,800,968, plus strand): 5'-CCGTTACCAGCTGGAAATTCCTGAGAATTTCACCACTCGCAATTTGCCAGAAGAATACGA[G>T]TTGAAATCTACCAAGAAGGGCTGTAAACGATACTGGACCAAAACTATTGAAAAGAAGTTG-3'
Protein context (NP_000170.1, residues 985-1005): FTTRNLPEEY[Glu995Asp]LKSTKKGCKR

ClinVar aggregate classification (germline): Uncertain significance (1 of 4 stars; one submission).

Conditions:
Hereditary cancer-predisposing syndrome. Also called: Hereditary neoplastic syndrome; Hereditary Cancer Syndrome; Neoplastic Syndromes, Hereditary; Tumor predisposition. Identifiers: Orphanet 140162, MedGen C0027672, MeSH D009386, MONDO:0015356.

Submission:

Color Diagnostics, LLC DBA Color Health
Classification: Uncertain significance for Hereditary cancer-predisposing syndrome. Last evaluated: 2024-03-06. Review status: criteria provided, single submitter. Criteria: ACMG Guidelines, 2015. Collection method: clinical testing. Allele origin: germline.
Comment: This missense variant replaces glutamic acid with aspartic acid at codon 995 of the MSH6 protein. Computational prediction is inconclusive regarding the impact of this variant on protein structure and function (internally defined REVEL score threshold 0.5 < inconclusive < 0.7, PMID: 27666373). To our knowledge, functional studies have not been reported for this variant. This variant has not been reported in individuals affected with hereditary cancer in the literature. This variant has not been identified in the general population by the Genome Aggregation Database (gnomAD). The available evidence is insufficient to determine the role of this variant in disease conclusively. Therefore, this variant is classified as a Variant of Uncertain Significance.